The following is an entry in ClinVar:

GRCh38/hg38 6q25.3(chr6:156353632-157547682)x1

Genes: TMEM242 (transmembrane protein 242; minus strand), TMEM242-DT (TMEM242 divergent transcript; plus strand), ZDHHC14 (zDHHC palmitoyltransferase 14; plus strand), SNORD28B (small nucleolar RNA, C/D box 28B; plus strand), MIR3692 (microRNA 3692; plus strand) and 55 more. Cytogenetic location: 6q25.3.
Variant type: copy number loss.
Change: copy number 1 (one copy instead of two) of chr6:156,353,632-157,547,682 (1.19 Mb, GRCh38 coordinates, 1-based), cytogenetic band 6q25.3.
Identifiers: ClinVar variation 146050 (VCV000146050.1).

ClinVar aggregate classification (germline): no classifications from unflagged records (0 of 4 stars; one submission).

Submission:

GeneDx
Classification: Uncertain significance. Last evaluated: 2010-11-30. Review status: flagged submission. Collection method: clinical testing. Allele origin: unknown. Affected: yes. Observed: 1 variant allele.
ClinVar note: Notes: This submission was flagged because its interpretation of this variant conflicts with the ClinGen Gene Dosage Map curation for the gene ARID1B.
ClinVar note: Reason: Conflict with ClinGen Gene Dosage Map